The following is an entry in ClinVar:

NM_000092.5(COL4A4):c.4439G>T (p.Cys1480Phe)

Gene: COL4A4 (collagen type IV alpha 4 chain; minus strand). Cytogenetic location: 2q36.3.
Variant type: single nucleotide variant.
Coding change: c.4439G>T on transcript NM_000092.5 (MANE Select); coding-DNA position 4439, G replaced by T.
Protein change: p.Cys1480Phe; replaces cysteine 1480 with phenylalanine.
Molecular consequence: missense variant.
Genome position (GRCh38, 1-based): chr2:227,010,396, C>A on the plus strand (G>T on the coding strand, the complement: COL4A4 is on the minus strand). VCF-style: chr2-227010396-C-A. GRCh37 (hg19) VCF-style: chr2-227875112-C-A.
Other names: short protein forms C1480F.
Identifiers: ClinVar variation 4800351 (VCV004800351.1).

ClinVar aggregate classification (germline): Uncertain significance (1 of 4 stars; one submission).

Submission:

Labcorp Genetics (formerly Invitae), Labcorp
Classification: Uncertain significance. Last evaluated: 2025-12-01. Review status: criteria provided, single submitter. Criteria: Invitae Variant Classification Sherloc (09022015). Collection method: clinical testing. Allele origin: germline.
Comment: This sequence change replaces cysteine, which is neutral and slightly polar, with phenylalanine, which is neutral and non-polar, at codon 1480 of the COL4A4 protein (p.Cys1480Phe). This variant is not present in population databases (gnomAD no frequency). This variant has not been reported in the literature in individuals affected with COL4A4-related conditions. Invitae Evidence Modeling of protein sequence and biophysical properties (such as structural, functional, and spatial information, amino acid conservation, physicochemical variation, residue mobility, and thermodynamic stability) has been performed for this missense variant. However, the output from this modeling did not meet the statistical confidence thresholds required to predict the impact of this variant on COL4A4 protein function. In summary, the available evidence is currently insufficient to determine the role of this variant in disease. Therefore, it has been classified as a Variant of Uncertain Significance.